The following is an entry in ClinVar:

ClinVar aggregate classification (germline): Uncertain significance. Review status: criteria provided, multiple submitters, no conflicts (2 of 4 stars). 2 submissions from 2 submitters: Uncertain significance (2). Last evaluated 2025-10-25.

Conditions:
Cardiovascular phenotype. Identifiers: MedGen CN230736.

Allele frequency attached by ClinVar (database versions not stated): gnomAD 0.00001; ExAC 0.00002; gnomAD exomes 0.00002; TOPMed 0.00002.
gnomAD v4.1: 33 of 1,613,626 alleles (0.002%); highest among the groups gnomAD compares: East Asian, 0.0067%; no homozygotes.

Submissions (2):

Ambry Genetics
Classification: Uncertain significance for Cardiovascular phenotype. Last evaluated: 2025-10-25. Review status: criteria provided, single submitter. Criteria: Ambry Variant Classification Scheme 2023. Collection method: clinical testing. Allele origin: germline.
Comment: The p.R2171H variant (also known as c.6512G>A), located in coding exon 17 of the TNXB gene, results from a G to A substitution at nucleotide position 6512. The arginine at codon 2171 is replaced by histidine, an amino acid with highly similar properties. This amino acid position is conserved. In addition, this alteration is predicted to be tolerated by in silico analysis. Since supporting evidence is limited at this time, the clinical significance of this alteration remains unclear.

GeneDx
Classification: Uncertain significance. Last evaluated: 2023-01-26. Review status: criteria provided, single submitter. Criteria: GeneDx Variant Classification Process June 2021. Collection method: clinical testing. Allele origin: germline. Affected: yes.
Comment: In silico analysis supports that this missense variant does not alter protein structure/function; Has not been previously published as pathogenic or benign to our knowledge

NM_001365276.2(TNXB):c.6512G>A (p.Arg2171His)

Gene: TNXB (tenascin XB; minus strand). Cytogenetic location: 6p21.33.
Variant type: single nucleotide variant.
Coding change: c.6512G>A on transcript NM_001365276.2 (MANE Select); coding-DNA position 6512, G replaced by A.
Protein change: p.Arg2171His; replaces arginine 2171 with histidine.
Molecular consequence: missense variant.
Genome position (GRCh38, 1-based): chr6:32,067,693, C>T on the plus strand (G>A on the coding strand, the complement: TNXB is on the minus strand). VCF-style: chr6-32067693-C-T. GRCh37 (hg19) VCF-style: chr6-32035470-C-T.
Other names: c.6512G>A, p.Arg2171His (NM_019105.8); short protein forms R2171H.
Identifiers: ClinVar variation 2574284 (VCV002574284.3), dbSNP rs759746642, ClinGen allele CA3734407.
Genomic context (GRCh38, chr6:32,067,693, plus strand): 5'-CCCAGAGGGCTCTGCAGTGCACACTCACCCGTGACGCCCACAGCAGACACTGGGCCCACG[C>T]GCCGCCCCTCGTGGAGGCCGTACAGGTGCATCTTGTACTTGCGCCCAGGCTCCAGGCCCC-3'
Protein context (NP_001352205.1, residues 2161-2181): MHLYGLHEGR[Arg2171His]VGPVSAVGVT